The following is an entry in ClinVar:

NM_138576.4(BCL11B):c.2183G>T (p.Gly728Val)

Gene: BCL11B (BCL11 transcription factor B; minus strand). Cytogenetic location: 14q32.2.
Variant type: single nucleotide variant.
Coding change: c.2183G>T on transcript NM_138576.4 (MANE Select); coding-DNA position 2183, G replaced by T.
Protein change: p.Gly728Val; replaces glycine 728 with valine.
Molecular consequence: missense variant.
Genome position (GRCh38, 1-based): chr14:99,174,653, C>A on the plus strand (G>T on the coding strand, the complement: BCL11B is on the minus strand). VCF-style: chr14-99174653-C-A. GRCh37 (hg19) VCF-style: chr14-99640990-C-A.
Other names: c.2180G>T, p.Gly727Val (NM_001282237.2); c.1967G>T, p.Gly656Val (NM_001282238.2); c.1970G>T, p.Gly657Val (NM_022898.3); short protein forms G656V, G657V, G727V, G728V.
Identifiers: ClinVar variation 4077229 (VCV004077229.1).

ClinVar aggregate classification (germline): Uncertain significance (1 of 4 stars; one submission).

Submission:

GeneDx
Classification: Uncertain significance. Last evaluated: 2025-02-19. Review status: criteria provided, single submitter. Criteria: GeneDx Variant Classification Process June 2021. Collection method: clinical testing. Allele origin: germline. Affected: yes.
Comment: Not observed at significant frequency in large population cohorts (gnomAD); In silico analysis supports that this missense variant has a deleterious effect on protein structure/function; Has not been previously published as pathogenic or benign to our knowledge